The following is an entry in ClinVar:

NM_001256627.2(BRSK2):c.1569del (p.Asn524fs)

Gene: BRSK2 (BR serine/threonine kinase 2; plus strand). Cytogenetic location: 11p15.5.
Variant type: Deletion.
Coding change: c.1569del on transcript NM_001256627.2 (MANE Select); coding-DNA position 1569, one base deleted (G; older notation c.1569delG).
Protein change: p.Asn524fs; shifts the reading frame from asparagine 524.
Molecular consequence: frameshift variant. On other transcripts: non-coding transcript variant (1).
Genome position (GRCh38, 1-based): chr11:1,454,509, G deleted; the last of 3 consecutive G bases (chr11:1,454,507-1,454,509); deleting any one gives the same sequence. VCF-style (leftmost placement, unchanged base first): chr11-1454506-TG-T. GRCh37 (hg19) VCF-style: chr11-1475736-TG-T.
Other names: c.2001del, p.Asn668fs (NM_001440665.1); c.1935del, p.Asn646fs (NM_001440666.1); c.1707del, p.Asn570fs (NM_001440667.1, NM_001256630.1); c.1635del, p.Asn546fs (NM_001440668.1, NM_001440670.1); c.1389del, p.Asn464fs (NM_001440669.1, NM_001440673.1, NM_001440674.1 and 3 more transcripts); c.1455del, p.Asn486fs (NM_001440671.1, NM_001440672.1); c.1569del, p.Asn524fs (NM_003957.4, NM_001256629.2); short protein forms N464fs, N486fs, N524fs, N546fs, N570fs, N646fs, N668fs.
Identifiers: ClinVar variation 4849543 (VCV004849543.1).

ClinVar aggregate classification (germline): Likely pathogenic (1 of 4 stars; one submission).

Conditions:
Autosomal dominant non-syndromic intellectual disability. Identifiers: Orphanet 178469, MedGen C5680502, MONDO:0015802.

Submission:

Department of Human Genetics, University Hospital Bern, Inselspital
Classification: Likely pathogenic for Autosomal dominant non-syndromic intellectual disability. Last evaluated: 2026-05-03. Review status: criteria provided, single submitter. Criteria: ACMG Guidelines, 2015. Collection method: clinical testing. Allele origin: de novo. Affected: yes.
Comment: The variant leads to an early stop codon likely resulting in nonsense-mediated mRNA decay. The variant was shown to have occurred de novo (unclear if parental sample identity was confirmed) and is absent from gnomAD v4.1.0. In summary, criteria PVS1 and PM2_Supporting were used.

Literature cited by the submitters: PubMed 42509346.